The following is an entry in ClinVar:

ClinVar aggregate classification (germline): Likely benign. Review status: criteria provided, multiple submitters, no conflicts (2 of 4 stars). 4 submissions from 4 submitters: Likely benign (3). 1 of the submissions does not count toward it. Last evaluated 2025-10-06.

Conditions:
DOCK6-related disorder. Also called: DOCK6-related condition.

Allele frequency attached by ClinVar (database versions not stated): gnomAD exomes 0.00012; TOPMed 0.00016; ExAC 0.00018; gnomAD 0.00019 and 0.00020; ESP Exome Variant Server 0.00040.
gnomAD v4.1: 203 of 1,613,574 alleles (0.013%); highest among the groups gnomAD compares: African/African-American, 0.017%; no homozygotes.

Submissions (4):

Labcorp Genetics (formerly Invitae), Labcorp
Classification: Likely benign. Last evaluated: 2025-10-06. Review status: criteria provided, single submitter. Criteria: Invitae Variant Classification Sherloc (09022015). Collection method: clinical testing. Allele origin: germline.

Blueprint Genetics
Classification: Likely benign. Last evaluated: 2024-10-31. Review status: criteria provided, single submitter. Criteria: ACMG Guidelines, 2015. Collection method: clinical testing. Allele origin: germline.

CeGaT Center for Human Genetics Tuebingen
Classification: Likely benign. Last evaluated: 2024-05-01. Review status: criteria provided, single submitter. Criteria: CeGaT Center For Human Genetics Tuebingen Variant Classification Criteria Version 2. Collection method: clinical testing. Allele origin: germline. Affected: yes. Observed: 2 variant alleles.
Comment: DOCK6: BP4, BP7

PreventionGenetics, part of Exact Sciences
Classification: Likely benign for DOCK6-related condition. Last evaluated: 2021-07-13. Review status: no assertion criteria provided. Collection method: clinical testing. Allele origin: germline. Not counted in ClinVar's aggregate classification.
Comment: This variant is classified as likely benign based on ACMG/AMP sequence variant interpretation guidelines (Richards et al. 2015 PMID: 25741868, with internal and published modifications).

NM_020812.4(DOCK6):c.4068C>T (p.Ser1356=)

Genes: DOCK6 (dedicator of cytokinesis 6; minus strand), DOCK6-AS1 (DOCK6 antisense RNA 1; plus strand). Cytogenetic location: 19p13.2.
Variant type: single nucleotide variant.
Coding change: c.4068C>T on transcript NM_020812.4 (MANE Select); coding-DNA position 4068, C replaced by T.
Protein change: p.Ser1356=; no amino-acid change (serine 1356 retained).
Molecular consequence: synonymous variant.
Genome position (GRCh38, 1-based): chr19:11,215,425, G>A on the plus strand (C>T on the coding strand, the complement: DOCK6 is on the minus strand). VCF-style: chr19-11215425-G-A. GRCh37 (hg19) VCF-style: chr19-11326101-G-A.
Other names: c.4173C>T, p.Ser1391= (NM_001367830.1).
Identifiers: ClinVar variation 728625 (VCV000728625.36), dbSNP rs370567682, ClinGen allele CA9207006.